The following is an entry in ClinVar:

ClinVar aggregate classification (germline): Uncertain significance (1 of 4 stars; one submission).

Allele frequency attached by ClinVar (database versions not stated): ExAC 0.00001.

Submission:

Labcorp Genetics (formerly Invitae), Labcorp
Classification: Uncertain significance. Last evaluated: 2022-06-28. Review status: criteria provided, single submitter. Criteria: Invitae Variant Classification Sherloc (09022015). Collection method: clinical testing. Allele origin: germline.
Comment: This variant is present in population databases (rs751248358, gnomAD 0.005%), including at least one homozygous and/or hemizygous individual. This sequence change replaces lysine, which is basic and polar, with glutamic acid, which is acidic and polar, at codon 5 of the FRMD7 protein (p.Lys5Glu). This variant has not been reported in the literature in individuals affected with FRMD7-related conditions. In summary, the available evidence is currently insufficient to determine the role of this variant in disease. Therefore, it has been classified as a Variant of Uncertain Significance. Algorithms developed to predict the effect of missense changes on protein structure and function are either unavailable or do not agree on the potential impact of this missense change (SIFT: "Deleterious"; PolyPhen-2: "Benign"; Align-GVGD: "Class C0").

NM_194277.3(FRMD7):c.13A>G (p.Lys5Glu)

Gene: FRMD7 (FERM domain containing 7; minus strand). Cytogenetic location: Xq26.2.
Variant type: single nucleotide variant.
Coding change: c.13A>G on transcript NM_194277.3 (MANE Select); coding-DNA position 13, A replaced by G.
Protein change: p.Lys5Glu; replaces lysine 5 with glutamic acid.
Molecular consequence: missense variant.
Genome position (GRCh38, 1-based): chrX:132,127,832, T>C on the plus strand (A>G on the coding strand, the complement: FRMD7 is on the minus strand). VCF-style: chrX-132127832-T-C. GRCh37 (hg19) VCF-style: chrX-131261860-T-C.
Other names: c.13A>G, p.Lys5Glu (NM_001306193.2); short protein forms K5E.
Identifiers: ClinVar variation 2010570 (VCV002010570.4), dbSNP rs751248358, ClinGen allele CA10519149.